The following is an entry in ClinVar:

ClinVar aggregate classification (germline): Conflicting classifications of pathogenicity. Review status: criteria provided, conflicting classifications (1 of 4 stars). 4 submissions from 4 submitters: Uncertain significance (3); Likely benign (1). Last evaluated 2025-11-08.

Conditions:
Amelogenesis imperfecta type 1G (AI1G). Also called: Amelogenesis imperfecta-gingival hyperplasia syndrome; Amelogenesis imperfecta nephrocalcinosis; Enamel renal syndrome; Absent enamel, nephrocalcinosis and apparently normal calcium metabolism; Generalized enamel hypoplasia and renal dysfunction; ENAMEL-RENAL-GINGIVAL SYNDROME. Identifiers: Orphanet 1031, Orphanet 171836, MedGen C2931783, MONDO:0008771, OMIM 204690. Disease mechanism: loss of function.
Inborn genetic diseases. Identifiers: MedGen C0950123, MeSH D030342.

Allele frequency attached by ClinVar (database versions not stated): ExAC 0.00016; gnomAD exomes 0.00025; gnomAD 0.00032 and 0.00033; ESP Exome Variant Server 0.00046.
gnomAD v4.1: 739 of 1,613,746 alleles (0.046%); highest among the groups gnomAD compares: Non-Finnish European, 0.057%; 1 homozygote.

Submissions (4):

Labcorp Genetics (formerly Invitae), Labcorp
Classification: Uncertain significance. Last evaluated: 2025-11-08. Review status: criteria provided, single submitter. Criteria: Invitae Variant Classification Sherloc (09022015). Collection method: clinical testing. Allele origin: germline.
Comment: This sequence change replaces arginine, which is basic and polar, with glutamine, which is neutral and polar, at codon 156 of the FAM20A protein (p.Arg156Gln). This variant is present in population databases (rs146809464, gnomAD 0.04%). This variant has not been reported in the literature in individuals affected with FAM20A-related conditions. ClinVar contains an entry for this variant (Variation ID: 1421740). An algorithm developed to predict the effect of missense changes on protein structure and function outputs the following: PolyPhen-2: "Benign". The glutamine amino acid residue is found in multiple mammalian species, which suggests that this missense change does not adversely affect protein function. In summary, the available evidence is currently insufficient to determine the role of this variant in disease. Therefore, it has been classified as a Variant of Uncertain Significance.

Blueprint Genetics
Classification: Likely benign. Last evaluated: 2024-11-21. Review status: criteria provided, single submitter. Criteria: ACMG Guidelines, 2015. Collection method: clinical testing. Allele origin: germline.

Fulgent Genetics
Classification: Uncertain significance for Amelogenesis imperfecta type 1G. Last evaluated: 2024-06-18. Review status: criteria provided, single submitter. Criteria: ACMG Guidelines, 2015. Collection method: clinical testing. Allele origin: germline.

Ambry Genetics
Classification: Uncertain significance for Inborn genetic diseases. Last evaluated: 2021-06-18. Review status: criteria provided, single submitter. Criteria: Ambry Variant Classification Scheme 2023. Collection method: clinical testing. Allele origin: germline.

NM_017565.4(FAM20A):c.467G>A (p.Arg156Gln)

Gene: FAM20A (FAM20A golgi associated secretory pathway pseudokinase; minus strand). Cytogenetic location: 17q24.2.
Variant type: single nucleotide variant.
Coding change: c.467G>A on transcript NM_017565.4 (MANE Select); coding-DNA position 467, G replaced by A.
Protein change: p.Arg156Gln; replaces arginine 156 with glutamine.
Molecular consequence: missense variant. On other transcripts: non-coding transcript variant (1).
Genome position (GRCh38, 1-based): chr17:68,555,681, C>T on the plus strand (G>A on the coding strand, the complement: FAM20A is on the minus strand). VCF-style: chr17-68555681-C-T. GRCh37 (hg19) VCF-style: chr17-66551822-C-T.
Other names: c.53G>A, p.Arg18Gln (NM_001243746.2); c.467G>A (NM_017565.3); short protein forms R156Q, R18Q.
Identifiers: ClinVar variation 1421740 (VCV001421740.10), dbSNP rs146809464, ClinGen allele CA8730062.